The following is an entry in ClinVar:

NM_005235.3(ERBB4):c.2706C>T (p.Asp902=)

Gene: ERBB4 (erb-b2 receptor tyrosine kinase 4; minus strand). Cytogenetic location: 2q34.
Variant type: single nucleotide variant.
Coding change: c.2706C>T on transcript NM_005235.3 (MANE Select); coding-DNA position 2706, C replaced by T.
Protein change: p.Asp902=; no amino-acid change (aspartic acid 902 retained).
Molecular consequence: synonymous variant.
Genome position (GRCh38, 1-based): chr2:211,428,421, G>A on the plus strand (C>T on the coding strand, the complement: ERBB4 is on the minus strand). VCF-style: chr2-211428421-G-A. GRCh37 (hg19) VCF-style: chr2-212293146-G-A.
Other names: c.2706C>T, p.Asp902= (NM_001042599.2).
Identifiers: ClinVar variation 100850 (VCV000100850.5), dbSNP rs146441207, ClinGen allele CA229125.

ClinVar aggregate classification (germline): Likely benign. Review status: criteria provided, single submitter (1 of 4 stars). 3 submissions from 2 submitters: Likely benign (1). 2 of the submissions do not count toward it. Last evaluated 2026-01-10.

Allele frequency attached by ClinVar (database versions not stated): gnomAD exomes 0.00010 and 0.00007; ESP Exome Variant Server 0.00008; TOPMed 0.00009; gnomAD 0.00015 and 0.00014; 1000 Genomes Project 30x 0.00016; 1000 Genomes Project 0.00020; ExAC 0.00006.
gnomAD v4.1: 126 of 1,581,526 alleles (0.008%); highest among the groups gnomAD compares: East Asian, 0.029%; 1 homozygote.

Submissions (3):

Labcorp Genetics (formerly Invitae), Labcorp
Classification: Likely benign. Last evaluated: 2026-01-10. Review status: criteria provided, single submitter. Criteria: Invitae Variant Classification Sherloc (09022015). Collection method: clinical testing. Allele origin: germline.

Richard Lifton Laboratory, Yale University School of Medicine
Classification: Uncertain significance. Review status: no assertion criteria provided. Collection method: not provided. Allele origin: somatic. Not counted in ClinVar's aggregate classification.
Comment: ERBB4:p.D902D
ClinVar note: Converted during submission from unknown to Uncertain significance.

Richard Lifton Laboratory, Yale University School of Medicine
Classification: Uncertain significance. Review status: flagged submission. Collection method: not provided. Allele origin: somatic. Not counted in ClinVar's aggregate classification.
ClinVar note: Converted during submission from unknown to Uncertain significance.
ClinVar note: Reason: This record appears to be redundant with a more recent record from the same submitter.
ClinVar note: Notes: SCV000120074 appears to be redundant with SCV000155178.